The following is an entry in ClinVar:

NM_001134363.3(RBM20):c.1294A>T (p.Lys432Ter)

Gene: RBM20 (RNA binding motif protein 20; plus strand). Cytogenetic location: 10q25.2.
Variant type: single nucleotide variant.
Coding change: c.1294A>T on transcript NM_001134363.3 (MANE Select); coding-DNA position 1294, A replaced by T.
Protein change: p.Lys432Ter; replaces lysine 432 with a stop codon.
Molecular consequence: nonsense.
Genome position (GRCh38, 1-based): chr10:110,783,384, A>T. VCF-style: chr10-110783384-A-T. GRCh37 (hg19) VCF-style: chr10-112543142-A-T.
Other names: short protein forms K432*.
Identifiers: ClinVar variation 3640093 (VCV003640093.2).

ClinVar aggregate classification (germline): Pathogenic (1 of 4 stars; one submission).

Conditions:
Dilated cardiomyopathy 1DD (CMD1DD). Identifiers: Orphanet 154, MedGen C2750995, MONDO:0013168, OMIM 613172.

Submission:

Labcorp Genetics (formerly Invitae), Labcorp
Classification: Pathogenic for Dilated cardiomyopathy 1DD. Last evaluated: 2025-11-21. Review status: criteria provided, single submitter. Criteria: Invitae Variant Classification Sherloc (09022015). Collection method: clinical testing. Allele origin: germline.
Comment: This sequence change creates a premature translational stop signal (p.Lys432*) in the RBM20 gene. It is expected to result in an absent or disrupted protein product. Loss-of-function variants in RBM20 are known to be pathogenic (PMID: 20590677, 22004663, 38288598, 38510713, 40339755). This variant is not present in population databases (gnomAD no frequency). This variant has not been reported in the literature in individuals affected with RBM20-related conditions. ClinVar contains an entry for this variant (Variation ID: 3640093). Algorithms developed to predict the effect of sequence changes on RNA splicing suggest that this variant may disrupt the consensus splice site. For these reasons, this variant has been classified as Pathogenic.

Literature cited by the submitters: PubMed 20590677; PubMed 22004663; PubMed 38288598; PubMed 38510713; PubMed 40339755.